The following is an entry in ClinVar:

ClinVar aggregate classification (germline): Uncertain significance (1 of 4 stars; one submission).

gnomAD v4.1: 1 of 1,614,226 alleles (0.000062%); highest among the groups gnomAD compares: South Asian, 0.0011%; no homozygotes.

Submission:

Labcorp Genetics (formerly Invitae), Labcorp
Classification: Uncertain significance. Last evaluated: 2022-09-24. Review status: criteria provided, single submitter. Criteria: Invitae Variant Classification Sherloc (09022015). Collection method: clinical testing. Allele origin: germline.
Comment: In summary, the available evidence is currently insufficient to determine the role of this variant in disease. Therefore, it has been classified as a Variant of Uncertain Significance. Algorithms developed to predict the effect of missense changes on protein structure and function are either unavailable or do not agree on the potential impact of this missense change (SIFT: "Not Available"; PolyPhen-2: "Possibly Damaging"; Align-GVGD: "Not Available"). This variant has not been reported in the literature in individuals affected with FN1-related conditions. This variant is present in population databases (no rsID available, gnomAD 0.003%). This sequence change replaces glutamic acid, which is acidic and polar, with lysine, which is basic and polar, at codon 2144 of the FN1 protein (p.Glu2144Lys).

NM_212482.4(FN1):c.6430G>A (p.Glu2144Lys)

Gene: FN1 (fibronectin 1; minus strand). Cytogenetic location: 2q35.
Variant type: single nucleotide variant.
Coding change: c.6430G>A on transcript NM_212482.4 (MANE Select); coding-DNA position 6430, G replaced by A.
Protein change: p.Glu2144Lys; replaces glutamic acid 2144 with lysine.
Molecular consequence: missense variant. On other transcripts: intron variant (3).
Genome position (GRCh38, 1-based): chr2:215,372,193, C>T on the plus strand (G>A on the coding strand, the complement: FN1 is on the minus strand). VCF-style: chr2-215372193-C-T. GRCh37 (hg19) VCF-style: chr2-216236916-C-T.
Other names: c.6430G>A, p.Glu2144Lys (NM_001306129.2); c.5887G>A, p.Glu1963Lys (NM_001306131.2, NM_212476.3); c.5812G>A, p.Glu1938Lys (NM_001306132.2, NM_001365523.2); c.6160G>A, p.Glu2054Lys (NM_001365517.2, NM_001365521.2); c.6157G>A, p.Glu2053Lys (NM_001365518.2, NM_002026.4); c.6085G>A, p.Glu2029Lys (NM_001365519.2, NM_001365522.2); c.6082G>A, p.Glu2028Lys (NM_001365520.2, NM_212478.3); c.5705-178G>A (NM_212474.3); and 2 more; short protein forms E1938K, E1963K, E2028K, E2029K, E2053K, E2054K, E2144K.
Identifiers: ClinVar variation 1719573 (VCV001719573.5), dbSNP rs1372655692, ClinGen allele CA350467027.
Genomic context (GRCh38, chr2:215,372,193, plus strand): 5'-GCCTATGCCTTATGGGGGTGGCCGTTGTGGGCGGTGTGGTCCGCCTAAAACCATGTTCCT[C>T]AAAGATCATTTGTTGCCCAACACTGGGTTGCTGACCAGAAGTGCCAGGAAGCTGAATACC-3'
Protein context (NP_997647.2, residues 2134-2154): QPSVGQQMIF[Glu2144Lys]EHGFRRTTPP